The following is an entry in ClinVar:

NM_000322.5(PRPH2):c.*1534T>C

Gene: PRPH2 (peripherin 2; minus strand). Cytogenetic location: 6p21.1.
Variant type: single nucleotide variant.
Coding change: c.*1534T>C on transcript NM_000322.5 (MANE Select); 1534 bases downstream of the stop codon, T replaced by C.
Molecular consequence: 3 prime UTR variant.
Genome position (GRCh38, 1-based): chr6:42,696,761, A>G on the plus strand (T>C on the coding strand, the complement: PRPH2 is on the minus strand). VCF-style: chr6-42696761-A-G. GRCh37 (hg19) VCF-style: chr6-42664499-A-G.
Identifiers: ClinVar variation 356746 (VCV000356746.5), dbSNP rs115252154, ClinGen allele CA10623896.

ClinVar aggregate classification (germline): Benign/Likely benign. Review status: criteria provided, single submitter (1 of 4 stars). 6 submissions from 1 submitter: Benign (4); Likely benign (2). Last evaluated 2018-01-13.

Conditions:
Retinitis pigmentosa (RP). Identifiers: Orphanet 791, MedGen C0035334, MeSH D012174, MONDO:0019200, OMIM 268000. Inheritance: Autosomal dominant, autosomal recessive and X linked inheritance.
Choroidal dystrophy, central areolar 2 (CACD2). Also called: MACULAR DYSTROPHY, PROGRESSIVE; Choriodal Dystrophy, Central Areolar 2. Identifiers: Orphanet 75377, MedGen C2751290, MONDO:0013137, OMIM 613105.
Pigmentary retinal dystrophy. Also called: Fundus albipunctatus. Identifiers: Orphanet 227796, Orphanet 52427, MedGen C0311338, MONDO:0007639, OMIM 136880, HP:0030642.
Cone-rod dystrophy. Also called: Cone/cone-rod dystrophy; Cone-rod degeneration. Identifiers: Orphanet 1872, MedGen C4085590, MONDO:0015993, HP:0000548.
Patterned macular dystrophy 1. Also called: BUTTERFLY DYSTROPHY OF RETINAL PIGMENT EPITHELIUM; MACULAR DYSTROPHY, BUTTERFLY-SHAPED PIGMENTARY. Identifiers: Orphanet 99001, MedGen C4551999, MONDO:0008210, OMIM 169150.
Adult-onset foveomacular vitelliform dystrophy. Also called: FOVEOMACULAR DYSTROPHY, ADULT-ONSET; FOVEOMACULAR DYSTROPHY, ADULT-ONSET, WITH OR WITHOUT CHOROIDAL NEOVASCULARIZATION; Adult onset vitelliform dystrophy. Identifiers: Orphanet 99000, MedGen C1842914, MONDO:0011979.

Allele frequency attached by ClinVar (database versions not stated): gnomAD 0.00774 and 0.00821; 1000 Genomes Project 0.00799; 1000 Genomes Project 30x 0.00812; TOPMed 0.00841.

Submissions (6):

Illumina Laboratory Services, Illumina
Classification: Benign for Choroidal dystrophy, central areolar 2. Last evaluated: 2018-01-13. Review status: criteria provided, single submitter. Criteria: ICSL Variant Classification Criteria 13 December 2019. Collection method: clinical testing. Allele origin: germline.
Comment: This variant was observed in the ICSL laboratory as part of a predisposition screen in an ostensibly healthy population. It had not been previously curated by ICSL or reported in the Human Gene Mutation Database (HGMD: prior to June 1st, 2018), and was therefore a candidate for classification through an automated scoring system. Utilizing variant allele frequency, disease prevalence and penetrance estimates, and inheritance mode, an automated score was calculated to assess if this variant is too frequent to cause the disease. Based on the score and internal cut-off values, a variant classified as benign is not then subjected to further curation. The score for this variant resulted in a classification of benign for this disease.

Illumina Laboratory Services, Illumina
Classification: Likely benign for Pigmentary retinal dystrophy. Last evaluated: 2018-01-13. Review status: criteria provided, single submitter. Criteria: ICSL Variant Classification Criteria 13 December 2019. Collection method: clinical testing. Allele origin: germline.
Comment: This variant was observed in the ICSL laboratory as part of a predisposition screen in an ostensibly healthy population. It had not been previously curated by ICSL or reported in the Human Gene Mutation Database (HGMD: prior to June 1st, 2018), and was therefore a candidate for classification through an automated scoring system. Utilizing variant allele frequency, disease prevalence and penetrance estimates, and inheritance mode, an automated score was calculated to assess if this variant is too frequent to cause the disease. Based on the score and internal cut-off values, a variant classified as likely benign is not then subjected to further curation. The score for this variant resulted in a classification of likely benign for this disease.

Illumina Laboratory Services, Illumina
Classification: Benign for Cone-rod dystrophy. Last evaluated: 2018-01-13. Review status: criteria provided, single submitter. Criteria: ICSL Variant Classification Criteria 13 December 2019. Collection method: clinical testing. Allele origin: germline.
Comment: the same text as in the submission from Illumina Laboratory Services, Illumina above.

Illumina Laboratory Services, Illumina
Classification: Benign for Retinitis pigmentosa. Last evaluated: 2018-01-13. Review status: criteria provided, single submitter. Criteria: ICSL Variant Classification Criteria 13 December 2019. Collection method: clinical testing. Allele origin: germline.
Comment: the same text as in the submission from Illumina Laboratory Services, Illumina above.

Illumina Laboratory Services, Illumina
Classification: Likely benign for Patterned macular dystrophy 1. Last evaluated: 2018-01-13. Review status: criteria provided, single submitter. Criteria: ICSL Variant Classification Criteria 13 December 2019. Collection method: clinical testing. Allele origin: germline.
Comment: the same text as in the submission from Illumina Laboratory Services, Illumina above.

Illumina Laboratory Services, Illumina
Classification: Benign for Vitelliform macular dystrophy 3. Last evaluated: 2018-01-13. Review status: criteria provided, single submitter. Criteria: ICSL Variant Classification Criteria 13 December 2019. Collection method: clinical testing. Allele origin: germline.
Comment: the same text as in the submission from Illumina Laboratory Services, Illumina above.